The following is an entry in ClinVar:

ClinVar aggregate classification (germline): Uncertain significance (1 of 4 stars; one submission).

Submission:

GeneDx
Classification: Uncertain significance. Last evaluated: 2023-12-18. Review status: criteria provided, single submitter. Criteria: GeneDx Variant Classification Process June 2021. Collection method: clinical testing. Allele origin: germline. Affected: yes.
Comment: Not observed at significant frequency in large population cohorts (gnomAD); In silico analysis supports that this missense variant does not alter protein structure/function; Has not been previously published as pathogenic or benign to our knowledge

NM_001042492.3(NF1):c.3286A>T (p.Met1096Leu)

Gene: NF1 (neurofibromin 1; plus strand). Cytogenetic location: 17q11.2.
Variant type: single nucleotide variant.
Coding change: c.3286A>T on transcript NM_001042492.3 (MANE Select); coding-DNA position 3286, A replaced by T.
Protein change: p.Met1096Leu; replaces methionine 1096 with leucine.
Molecular consequence: missense variant.
Genome position (GRCh38, 1-based): chr17:31,232,161, A>T. VCF-style: chr17-31232161-A-T. GRCh37 (hg19) VCF-style: chr17-29559179-A-T.
Other names: c.3286A>T, p.Met1096Leu (NM_000267.4); short protein forms M1096L.
Identifiers: ClinVar variation 3340618 (VCV003340618.1).